The following is an entry in ClinVar:

ClinVar aggregate classification (germline): Uncertain significance. Review status: criteria provided, multiple submitters, no conflicts (2 of 4 stars). 2 submissions from 2 submitters: Uncertain significance (2). Last evaluated 2026-05-10.

Conditions:
Ullrich congenital muscular dystrophy 2 (UCMD2). Identifiers: Orphanet 75840, MedGen C4225314, MONDO:0014654, OMIM 616470.
Bethlem myopathy 2 (BTHLM2). Identifiers: Orphanet 536516, Orphanet 610, MedGen C4225313, MONDO:0034022, OMIM 616471.
Inborn genetic diseases. Identifiers: MedGen C0950123, MeSH D030342.

gnomAD v4.1: 1 of 1,612,368 alleles (0.000062%); highest among the groups gnomAD compares: Non-Finnish European, 0.000085%; no homozygotes.

Submissions (2):

Ambry Genetics
Classification: Uncertain significance for Inborn genetic diseases. Last evaluated: 2026-05-10. Review status: criteria provided, single submitter. Criteria: Ambry Variant Classification Scheme 2023. Collection method: clinical testing. Allele origin: germline.

Labcorp Genetics (formerly Invitae), Labcorp
Classification: Uncertain significance for Bethlem myopathy 2; Ullrich congenital muscular dystrophy 2. Last evaluated: 2025-06-06. Review status: criteria provided, single submitter. Criteria: Invitae Variant Classification Sherloc (09022015). Collection method: clinical testing. Allele origin: germline.
Comment: This sequence change replaces phenylalanine, which is neutral and non-polar, with cysteine, which is neutral and slightly polar, at codon 2347 of the COL12A1 protein (p.Phe2347Cys). This variant is not present in population databases (gnomAD no frequency). This variant has not been reported in the literature in individuals affected with COL12A1-related conditions. Invitae Evidence Modeling of protein sequence and biophysical properties (such as structural, functional, and spatial information, amino acid conservation, physicochemical variation, residue mobility, and thermodynamic stability) has been performed for this missense variant. However, the output from this modeling did not meet the statistical confidence thresholds required to predict the impact of this variant on COL12A1 protein function. In summary, the available evidence is currently insufficient to determine the role of this variant in disease. Therefore, it has been classified as a Variant of Uncertain Significance.

NM_004370.6(COL12A1):c.7040T>G (p.Phe2347Cys)

Gene: COL12A1 (collagen type XII alpha 1 chain; minus strand). Cytogenetic location: 6q13.
Variant type: single nucleotide variant.
Coding change: c.7040T>G on transcript NM_004370.6 (MANE Select); coding-DNA position 7040, T replaced by G.
Protein change: p.Phe2347Cys; replaces phenylalanine 2347 with cysteine.
Molecular consequence: missense variant.
Genome position (GRCh38, 1-based): chr6:75,121,348, A>C on the plus strand (T>G on the coding strand, the complement: COL12A1 is on the minus strand). VCF-style: chr6-75121348-A-C. GRCh37 (hg19) VCF-style: chr6-75831064-A-C.
Other names: c.7040T>G, p.Phe2347Cys (NM_001424113.1); c.7019T>G, p.Phe2340Cys (NM_001424114.1); c.6767T>G, p.Phe2256Cys (NM_001424115.1); c.3548T>G, p.Phe1183Cys (NM_001424116.1, NM_080645.3); c.7040T>G (NM_004370.5); short protein forms F2256C, F2347C, F1183C, F2340C.
Identifiers: ClinVar variation 4788650 (VCV004788650.2).
Genomic context (GRCh38, chr6:75,121,348, plus strand): 5'-GGAATGACACTAACCTGAATCCCAGCAGGACTGATTTCATCAAAGCCTCCCACAGTATTG[A>C]AGATGAATTTTACAACTTTGTTAAAATTATCGTCCCCAATGCTCCAGGAGGCATCAGTCA-3'
Protein context (NP_004361.3, residues 2337-2357): DNFNKVVKFI[Phe2347Cys]NTVGGFDEIS